The following is an entry in ClinVar:

ClinVar aggregate classification (germline): Likely pathogenic (1 of 4 stars; one submission).

Conditions:
Cardiovascular phenotype. Identifiers: MedGen CN230736.

Submission:

Ambry Genetics
Classification: Likely pathogenic for Cardiovascular phenotype. Last evaluated: 2022-05-10. Review status: criteria provided, single submitter. Criteria: Ambry Variant Classification Scheme 2023. Collection method: clinical testing. Allele origin: germline.
Comment: The p.G319D variant (also known as c.956G>A), located in coding exon 6 of the ACVRL1 gene, results from a G to A substitution at nucleotide position 956. The glycine at codon 319 is replaced by aspartic acid, an amino acid with similar properties. This alteration has been reported in two individuals with a clinical diagnosis of hereditary hemorrhagic telangiectasia (HHT) (Lesca G et al. Hum Mutat, 2006 Jun;27:598; Ambry internal data). This variant is considered to be rare based on population cohorts in the Genome Aggregation Database (gnomAD). This amino acid position is well conserved in available vertebrate species. In addition, this alteration is predicted to be deleterious by in silico analysis. Based on the majority of available evidence to date, this variant is likely to be pathogenic.

Literature cited by the submitters: PubMed 16705692.

NM_000020.3(ACVRL1):c.956G>A (p.Gly319Asp)

Gene: ACVRL1 (activin A receptor like type 1; plus strand). Cytogenetic location: 12q13.13.
Variant type: single nucleotide variant.
Coding change: c.956G>A on transcript NM_000020.3 (MANE Select); coding-DNA position 956, G replaced by A.
Protein change: p.Gly319Asp; replaces glycine 319 with aspartic acid.
Molecular consequence: missense variant.
Genome position (GRCh38, 1-based): chr12:51,915,408, G>A. VCF-style: chr12-51915408-G-A. GRCh37 (hg19) VCF-style: chr12-52309192-G-A.
Other names: c.956G>A, p.Gly319Asp (NM_001077401.2, NM_001406487.1, NM_001406488.1 and 1 more transcripts); c.644G>A, p.Gly215Asp (NM_001406490.1, NM_001406491.1, NM_001406492.1 and 2 more transcripts); c.392G>A, p.Gly131Asp (NM_001406495.1); short protein forms G131D, G215D, G319D.
Identifiers: ClinVar variation 1767415 (VCV001767415.2), dbSNP rs2540164646, ClinGen allele CA384901289.